The following is an entry in ClinVar:

NM_004525.3(LRP2):c.10558G>A (p.Ala3520Thr)

Gene: LRP2 (LDL receptor related protein 2; minus strand). Cytogenetic location: 2q31.1.
Variant type: single nucleotide variant.
Coding change: c.10558G>A on transcript NM_004525.3 (MANE Select); coding-DNA position 10558, G replaced by A.
Protein change: p.Ala3520Thr; replaces alanine 3520 with threonine.
Molecular consequence: missense variant.
Genome position (GRCh38, 1-based): chr2:169,176,424, C>T on the plus strand (G>A on the coding strand, the complement: LRP2 is on the minus strand). VCF-style: chr2-169176424-C-T. GRCh37 (hg19) VCF-style: chr2-170032934-C-T.
Other names: short protein forms A3520T.
Identifiers: ClinVar variation 1208500 (VCV001208500.9), dbSNP rs138608585, ClinGen allele CA1953328.

ClinVar aggregate classification (germline): Uncertain significance. Review status: criteria provided, multiple submitters, no conflicts (2 of 4 stars). 2 submissions from 2 submitters: Uncertain significance (2). Last evaluated 2022-09-30.

Allele frequency attached by ClinVar (database versions not stated): ExAC 0.00002; gnomAD exomes 0.00004; ESP Exome Variant Server 0.00015; 1000 Genomes Project 30x 0.00016; gnomAD 0.00016 and 0.00018; 1000 Genomes Project 0.00020; TOPMed 0.00020.
gnomAD v4.1: 64 of 1,614,116 alleles (0.004%); highest among the groups gnomAD compares: African/African-American, 0.043%; no homozygotes.

Submissions (2):

GeneDx
Classification: Uncertain significance. Last evaluated: 2022-09-30. Review status: criteria provided, single submitter. Criteria: GeneDx Variant Classification Process June 2021. Collection method: clinical testing. Allele origin: germline. Affected: yes.
Comment: Has not been previously published as pathogenic or benign to our knowledge; In silico analysis supports that this missense variant does not alter protein structure/function

Labcorp Genetics (formerly Invitae), Labcorp
Classification: Uncertain significance. Last evaluated: 2022-08-13. Review status: criteria provided, single submitter. Criteria: Invitae Variant Classification Sherloc (09022015). Collection method: clinical testing. Allele origin: germline.
Comment: This sequence change replaces alanine, which is neutral and non-polar, with threonine, which is neutral and polar, at codon 3520 of the LRP2 protein (p.Ala3520Thr). This variant is present in population databases (rs138608585, gnomAD 0.05%). This variant has not been reported in the literature in individuals affected with LRP2-related conditions. ClinVar contains an entry for this variant (Variation ID: 1208500). Advanced modeling of protein sequence and biophysical properties (such as structural, functional, and spatial information, amino acid conservation, physicochemical variation, residue mobility, and thermodynamic stability) performed at Invitae indicates that this missense variant is not expected to disrupt LRP2 protein function. In summary, the available evidence is currently insufficient to determine the role of this variant in disease. Therefore, it has been classified as a Variant of Uncertain Significance.